The following is an entry in ClinVar:

ClinVar aggregate classification (germline): Conflicting classifications of pathogenicity. Review status: criteria provided, conflicting classifications (1 of 4 stars). 6 submissions from 5 submitters: Uncertain significance (5); Likely benign (1). Last evaluated 2026-01-31.

Conditions:
Cardiovascular phenotype. Identifiers: MedGen CN230736.
Familial hypobetalipoproteinemia 1. Also called: APOB-Related Familial Hypobetalipoproteinemia; Hypobetalipoproteinemia, normotriglyceridemic; Acanthocytosis with hypobetalipoproteinemia. Identifiers: MedGen C4551990, MONDO:0014252, OMIM 615558.
Hypercholesterolemia, autosomal dominant, type B (FHCL2). Also called: Hyperlipoproteinemia Type IIb; APOLIPOPROTEIN B-100, FAMILIAL DEFECTIVE; APOLIPOPROTEIN B-100, FAMILIAL LIGAND-DEFECTIVE; HYPERCHOLESTEROLEMIA, FAMILIAL, DUE TO LIGAND-DEFECTIVE APOLIPOPROTEIN B; APOB-Related Familial Hypercholesterolemia, Autosomal Dominant; Familial Hypercholesterolemia Type B. Identifiers: MedGen C1704417, MONDO:0007751, OMIM 144010.

Allele frequency attached by ClinVar (database versions not stated): gnomAD exomes 0.00001; ExAC 0.00002; TOPMed 0.00005; gnomAD 0.00006 and 0.00007; ESP Exome Variant Server 0.00008.

Submissions (6):

Labcorp Genetics (formerly Invitae), Labcorp
Classification: Likely benign for Familial hypobetalipoproteinemia 1; Hypercholesterolemia, autosomal dominant, type B. Last evaluated: 2026-01-31. Review status: criteria provided, single submitter. Criteria: Invitae Variant Classification Sherloc (09022015). Collection method: clinical testing. Allele origin: germline.

Ambry Genetics
Classification: Uncertain significance for Cardiovascular phenotype. Last evaluated: 2024-06-28. Review status: criteria provided, single submitter. Criteria: Ambry Variant Classification Scheme 2023. Collection method: clinical testing. Allele origin: germline.
Comment: The p.M1150K variant (also known as c.3449T>A), located in coding exon 22 of the APOB gene, results from a T to A substitution at nucleotide position 3449. The methionine at codon 1150 is replaced by lysine, an amino acid with similar properties. This amino acid position is well conserved in available vertebrate species. In addition, this alteration is predicted to be tolerated by in silico analysis. Based on the available evidence, the clinical significance of this variant remains unclear.

Fulgent Genetics
Classification: Uncertain significance for Hypercholesterolemia, autosomal dominant, type B; Familial hypobetalipoproteinemia 1. Last evaluated: 2021-08-02. Review status: criteria provided, single submitter. Criteria: ACMG Guidelines, 2015. Collection method: clinical testing. Allele origin: unknown.

ARUP Laboratories, Molecular Genetics and Genomics, ARUP Laboratories
Classification: Uncertain significance. Last evaluated: 2021-07-23. Review status: criteria provided, single submitter. Criteria: ARUP Molecular Germline Variant Investigation Process 2021. Collection method: clinical testing. Allele origin: germline.
Comment: The APOB c.3449T>A; p.Met1150Lys variant (rs146223051), to our knowledge, is not reported in the medical literature but is reported in ClinVar (Variation ID: 895699). This variant is only observed on six alleles in the Genome Aggregation Database, indicating it is not a common polymorphism. The methionine at codon 1150 is highly conserved, but computational analyses are uncertain whether this variant is neutral or deleterious (REVEL: 0.190). Due to limited information, the clinical significance of the p.Met1150Lys variant is uncertain at this time.

Illumina Laboratory Services, Illumina
Classification: Uncertain significance for Hypercholesterolemia, autosomal dominant, type B. Last evaluated: 2018-01-13. Review status: criteria provided, single submitter. Criteria: ICSL Variant Classification Criteria 13 December 2019. Collection method: clinical testing. Allele origin: germline.

Illumina Laboratory Services, Illumina
Classification: Uncertain significance for Familial hypobetalipoproteinemia 1. Last evaluated: 2018-01-13. Review status: criteria provided, single submitter. Criteria: ICSL Variant Classification Criteria 13 December 2019. Collection method: clinical testing. Allele origin: germline.

NM_000384.3(APOB):c.3449T>A (p.Met1150Lys)

Gene: APOB (apolipoprotein B; minus strand). Cytogenetic location: 2p24.1.
Variant type: single nucleotide variant.
Coding change: c.3449T>A on transcript NM_000384.3 (MANE Select); coding-DNA position 3449, T replaced by A.
Protein change: p.Met1150Lys; replaces methionine 1150 with lysine.
Molecular consequence: missense variant.
Genome position (GRCh38, 1-based): chr2:21,015,429, A>T on the plus strand (T>A on the coding strand, the complement: APOB is on the minus strand). VCF-style: chr2-21015429-A-T. GRCh37 (hg19) VCF-style: chr2-21238301-A-T.
Other names: short protein forms M1150K.
Identifiers: ClinVar variation 895699 (VCV000895699.17), dbSNP rs146223051, ClinGen allele CA058878.